The following is an entry in ClinVar:

ClinVar aggregate classification (germline): Pathogenic/Likely pathogenic. Review status: criteria provided, multiple submitters, no conflicts (2 of 4 stars). 2 submissions from 2 submitters: Pathogenic (1); Likely pathogenic (1). Last evaluated 2024-12-26.

Conditions:
Familial adenomatous polyposis 1 (FAP1). Also called: FAMILIAL ADENOMATOUS POLYPOSIS 1, ATTENUATED; POLYPOSIS, ADENOMATOUS INTESTINAL. Identifiers: MedGen C2713442, MONDO:0021056, OMIM 175100. Disease mechanism: loss of function.

Submissions (2):

Institute for Genomic Medicine (IGM) Clinical Laboratory, Nationwide Children's Hospital
Classification: Likely pathogenic for Familial adenomatous polyposis 1. Last evaluated: 2024-12-26. Review status: criteria provided, single submitter. Criteria: ACMG Guidelines, 2015. Collection method: clinical testing. Allele origin: germline.
Comment: This variant is predicted to result in loss of function through nonsense-mediated decay of the encoded transcript or premature truncation of the encoded protein in a gene in which loss of function is a known mechanism of disease (ACMG/AMP: PVS1; PMIDs:1316610, 8730280, 10768871, 16134147). This variant is absent from or present at an exceedingly low frequency in gnomAD, a large-scale control population database (ACMG/AMP: PM2).

Myriad Genetics, Inc.
Classification: Pathogenic for Familial adenomatous polyposis 1. Last evaluated: 2023-05-10. Review status: criteria provided, single submitter. Criteria: Myriad Autosomal Dominant, Autosomal Recessive and X-Linked Classification Criteria (2023). Collection method: clinical testing. Allele origin: unknown.
Comment: This variant is considered pathogenic. This variant creates a termination codon and is predicted to result in premature protein truncation.

Literature cited by the submitters: PubMed 1316610 (cited by Institute for Genomic Medicine (IGM) Clinical Laboratory, Nationwide Children's Hospital); PubMed 8730280 (cited by Institute for Genomic Medicine (IGM) Clinical Laboratory, Nationwide Children's Hospital); PubMed 10768871 (cited by Institute for Genomic Medicine (IGM) Clinical Laboratory, Nationwide Children's Hospital); PubMed 16134147 (cited by Institute for Genomic Medicine (IGM) Clinical Laboratory, Nationwide Children's Hospital).

NM_000038.6(APC):c.4230C>A (p.Cys1410Ter)

Gene: APC (APC regulator of Wnt signaling pathway; plus strand). Cytogenetic location: 5q22.2.
Variant type: single nucleotide variant.
Coding change: c.4230C>A on transcript NM_000038.6 (MANE Select); coding-DNA position 4230, C replaced by A.
Protein change: p.Cys1410Ter; replaces cysteine 1410 with a stop codon.
Molecular consequence: nonsense. On other transcripts: non-coding transcript variant (2).
Genome position (GRCh38, 1-based): chr5:112,839,824, C>A. VCF-style: chr5-112839824-C-A. GRCh37 (hg19) VCF-style: chr5-112175521-C-A.
Other names: c.3381C>A, p.Cys1127Ter (NM_001354906.2, NM_001407470.1); c.4314C>A, p.Cys1438Ter (NM_001407446.1); c.4209C>A, p.Cys1403Ter (NM_001407451.1); c.4284C>A, p.Cys1428Ter (NM_001407447.1, NM_001407448.1, NM_001407449.1 and 1 more transcripts); c.4200C>A, p.Cys1400Ter (NM_001407452.1); c.4230C>A, p.Cys1410Ter (NM_001407450.1, NM_001127510.3, NM_001354895.2); c.4176C>A, p.Cys1392Ter (NM_001127511.3); c.4260C>A, p.Cys1420Ter (NM_001354897.2); and 11 more; short protein forms C1026*, C1127*, C1250*, C1281*, C1284*, C1309*, C1319*, C1327*.
Identifiers: ClinVar variation 2583984 (VCV002583984.2), dbSNP rs2149909485, ClinGen allele CA16030599.